The following is an entry in ClinVar:

ClinVar aggregate classification (germline): Benign/Likely benign. Review status: criteria provided, multiple submitters, no conflicts (2 of 4 stars). 5 submissions from 5 submitters: Benign (2); Likely benign (3). Last evaluated 2026-09-01.

Conditions:
46,XY sex reversal 6. Also called: 46,XY SEX REVERSAL, PARTIAL OR COMPLETE, MAP3K1-RELATED; 46,XY GONADAL DYSGENESIS, PARTIAL OR COMPLETE, MAP3K1-RELATED. Identifiers: MedGen C3151064, MONDO:0013410, OMIM 613762.

Allele frequency attached by ClinVar (database versions not stated): ESP Exome Variant Server 0.00058; 1000 Genomes Project 30x 0.00062; 1000 Genomes Project 0.00080; gnomAD 0.00088; TOPMed 0.00090; gnomAD exomes 0.00091 and 0.00155; ExAC 0.00182.
gnomAD v4.1: 1,517 of 1,614,096 alleles (0.094%); highest among the groups gnomAD compares: Middle Eastern, 2.2%; 9 homozygotes.

Submissions (8):

CeGaT Center for Human Genetics Tuebingen
Classification: Benign. Last evaluated: 2026-09-01. Review status: criteria provided, single submitter. Criteria: CeGaT Center For Human Genetics Tuebingen Variant Classification Criteria Version 2. Collection method: clinical testing. Allele origin: germline. Affected: yes. Observed: 6 variant alleles.
Comment: MAP3K1: BP4, BS1, BS2

Labcorp Genetics (formerly Invitae), Labcorp
Classification: Benign for 46,XY sex reversal 6. Last evaluated: 2025-12-11. Review status: criteria provided, single submitter. Criteria: Invitae Variant Classification Sherloc (09022015). Collection method: clinical testing. Allele origin: germline.

Victorian Clinical Genetics Services, Murdoch Childrens Research Institute
Classification: Likely benign for 46,XY sex reversal 6. Last evaluated: 2024-10-09. Review status: criteria provided, single submitter. Criteria: ACMG Guidelines, 2015. Collection method: clinical testing. Allele origin: germline. Inheritance: Autosomal dominant inheritance.
Comment: Based on the classification scheme VCGS_Germline_v1.3.4, this variant is classified as Likely benign. Following criteria are met: 0101 - Gain of function is a known mechanism of disease in this gene and is associated with 46,XY sex reversal 6 (MIM#613762) (PMIDs: 21129722, 24135036, 30608580). (I) 0107 - This gene is associated with autosomal dominant disease. However, it is sex-limited in that only 46XY individuals are affected (GeneReviews). (I) 0115 - Variants in this gene are known to have variable expressivity. Intra- and inter-familial variability have been reported (PMIDs: 27899157, 12476449, 21129722). (I) 0200 - Variant is predicted to result in a missense amino acid change from glutamine to arginine. (I) 0251 - This variant is heterozygous. (I) 0310 - Variant is present in gnomAD >=0.001 and <0.01 for a dominant condition (v2: 396 heterozygotes, 5 homozygotes). (I) 0806 - This variant has moderate previous evidence of being benign in unrelated individuals. This variant has been classified multiple times as likely benign/benign by clinical laboratories in ClinVar. (SB) 1208 - Inheritance information for this variant is not currently available in this individual. (I) Legend: (SP) - Supporting pathogenic, (I) - Information, (SB) - Supporting benign

Genomic Diagnostic Laboratory, Division of Genomic Diagnostics, Children's Hospital of Philadelphia
Classification: Likely benign. Last evaluated: 2015-11-10. Review status: criteria provided, single submitter. Criteria: DGD Variant Analysis Guidelines. Collection method: clinical testing. Allele origin: unknown.

Breakthrough Genomics
Classification: Likely benign. Review status: criteria provided, single submitter. Criteria: ACMG Guidelines, 2015. Collection method: not provided. Allele origin: germline. Inheritance: Autosomal dominant inheritance. Affected: yes.

Dr. Peter K. Rogan Lab, Western University
No classification provided (evidence only). Condition: Clear cell carcinoma of kidney. Review status: no classification provided. Collection method: in vitro. Allele origin: not applicable. Functional consequence: retained intron. Not counted in ClinVar's aggregate classification.

Dr. Peter K. Rogan Lab, Western University
No classification provided (evidence only). Condition: Thyroid cancer, nonmedullary, 1. Review status: no classification provided. Collection method: in vitro. Allele origin: not applicable. Functional consequence: retained intron. Not counted in ClinVar's aggregate classification.

Dr. Peter K. Rogan Lab, Western University
No classification provided (evidence only). Condition: Cervical cancer. Review status: no classification provided. Collection method: in vitro. Allele origin: not applicable. Functional consequence: retained intron. Not counted in ClinVar's aggregate classification.

Literature cited by the submitters: PubMed 12476449 (cited by Victorian Clinical Genetics Services, Murdoch Childrens Research Institute); PubMed 21129722 (cited by Victorian Clinical Genetics Services, Murdoch Childrens Research Institute); PubMed 24135036 (cited by Victorian Clinical Genetics Services, Murdoch Childrens Research Institute); PubMed 27899157 (cited by Victorian Clinical Genetics Services, Murdoch Childrens Research Institute); PubMed 30608580 (cited by Victorian Clinical Genetics Services, Murdoch Childrens Research Institute).

NM_005921.2(MAP3K1):c.710A>G (p.Gln237Arg)

Gene: MAP3K1 (mitogen-activated protein kinase kinase kinase 1; plus strand). Cytogenetic location: 5q11.2.
Variant type: single nucleotide variant.
Coding change: c.710A>G on transcript NM_005921.2 (MANE Select); coding-DNA position 710, A replaced by G.
Protein change: p.Gln237Arg; replaces glutamine 237 with arginine.
Molecular consequence: missense variant.
Genome position (GRCh38, 1-based): chr5:56,859,791, A>G. VCF-style: chr5-56859791-A-G. GRCh37 (hg19) VCF-style: chr5-56155618-A-G.
Other names: short protein forms Q237R.
Identifiers: ClinVar variation 252655 (VCV000252655.38), dbSNP rs55694258, ClinGen allele CA3272591.